The following is an entry in ClinVar:

NM_005883.3(APC2):c.3397C>G (p.Arg1133Gly)

Gene: APC2 (APC regulator of WNT signaling pathway 2; plus strand). Cytogenetic location: 19p13.3.
Variant type: single nucleotide variant.
Coding change: c.3397C>G on transcript NM_005883.3 (MANE Select); coding-DNA position 3397, C replaced by G.
Protein change: p.Arg1133Gly; replaces arginine 1133 with glycine.
Molecular consequence: missense variant.
Genome position (GRCh38, 1-based): chr19:1,466,698, C>G. VCF-style: chr19-1466698-C-G. GRCh37 (hg19) VCF-style: chr19-1466697-C-G.
Other names: c.3394C>G, p.Arg1132Gly (NM_001351273.1); short protein forms R1132G, R1133G.
Identifiers: ClinVar variation 1973899 (VCV001973899.3), dbSNP rs200660071, ClinGen allele CA9045680.

ClinVar aggregate classification (germline): Uncertain significance (1 of 4 stars; one submission).

Allele frequency attached by ClinVar (database versions not stated): 1000 Genomes Project 30x 0.00016; 1000 Genomes Project 0.00020; ExAC 0.00023.
gnomAD v4.1: 38 of 1,521,294 alleles (0.0025%); highest among the groups gnomAD compares: Middle Eastern, 0.1%; no homozygotes.

Submission:

Labcorp Genetics (formerly Invitae), Labcorp
Classification: Uncertain significance. Last evaluated: 2022-05-10. Review status: criteria provided, single submitter. Criteria: Invitae Variant Classification Sherloc (09022015). Collection method: clinical testing. Allele origin: germline.
Comment: This sequence change replaces arginine, which is basic and polar, with glycine, which is neutral and non-polar, at codon 1133 of the APC2 protein (p.Arg1133Gly). This variant is present in population databases (rs200660071, gnomAD 0.007%). This variant has not been reported in the literature in individuals affected with APC2-related conditions. Algorithms developed to predict the effect of missense changes on protein structure and function are either unavailable or do not agree on the potential impact of this missense change (SIFT: "Deleterious"; PolyPhen-2: "Benign"; Align-GVGD: "Class C0"). In summary, the available evidence is currently insufficient to determine the role of this variant in disease. Therefore, it has been classified as a Variant of Uncertain Significance.